The following is an entry in ClinVar:

ClinVar aggregate classification (germline): Uncertain significance (1 of 4 stars; one submission).

Submission:

GeneDx
Classification: Uncertain significance. Last evaluated: 2026-01-25. Review status: criteria provided, single submitter. Criteria: GeneDx Variant Classification Process June 2021. Collection method: clinical testing. Allele origin: germline.
Comment: Not observed at significant frequency in large population cohorts (gnomAD); In silico analysis supports that this missense variant has a deleterious effect on protein structure/function; De novo variant with confirmed parentage in a patient with hyperekplexia in the published literature; a second variant in SLC6A5 was not reported (Sun Min et al. (2023) Chinese Journal of Neurology.); This variant is associated with the following publications: (PMID: Min2023[CaseReport])

NM_004211.5(SLC6A5):c.643T>C (p.Trp215Arg)

Gene: SLC6A5 (solute carrier family 6 member 5; plus strand). Cytogenetic location: 11p15.1.
Variant type: single nucleotide variant.
Coding change: c.643T>C on transcript NM_004211.5 (MANE Select); coding-DNA position 643, T replaced by C.
Protein change: p.Trp215Arg; replaces tryptophan 215 with arginine.
Molecular consequence: missense variant. On other transcripts: intron variant (1).
Genome position (GRCh38, 1-based): chr11:20,604,388, T>C. VCF-style: chr11-20604388-T-C. GRCh37 (hg19) VCF-style: chr11-20625934-T-C.
Other names: c.-23-2619T>C (NM_001318369.2); short protein forms W215R.
Identifiers: ClinVar variation 4975630 (VCV004975630.1).
Genomic context (GRCh38, chr11:20,604,388, plus strand): 5'-TCCAGCAAACTGGACTTCATCCTGTCCATGGTGGGGTACGCAGTGGGGCTGGGCAATGTC[T>C]GGAGGTTTCCCTACCTGGCCTTCCAGAACGGGGGAGGTATGGCTTTTCCGCTCTTTCCGC-3'
Protein context (NP_004202.4, residues 205-225): VGYAVGLGNV[Trp215Arg]RFPYLAFQNG